The following is an entry in ClinVar:

ClinVar aggregate classification (germline): Uncertain significance (1 of 4 stars; one submission).

Conditions:
Hypertrophic cardiomyopathy. Also called: HYPERTROPHIC MYOCARDIOPATHY. Identifiers: Orphanet 217569, MedGen C0007194, MeSH D002312, MONDO:0005045, HP:0001639.

Submission:

Labcorp Genetics (formerly Invitae), Labcorp
Classification: Uncertain significance for Hypertrophic cardiomyopathy. Last evaluated: 2021-09-25. Review status: criteria provided, single submitter. Criteria: Invitae Variant Classification Sherloc (09022015). Collection method: clinical testing. Allele origin: germline.
Comment: This sequence change replaces glycine with alanine at codon 128 of the MYL3 protein (p.Gly128Ala). The glycine residue is highly conserved and there is a small physicochemical difference between glycine and alanine. This variant is not present in population databases (ExAC no frequency). In summary, the available evidence is currently insufficient to determine the role of this variant in disease. Therefore, it has been classified as a Variant of Uncertain Significance. This variant disrupts the p.Gly128 amino acid residue in MYL3. Other variant(s) that disrupt this residue have been observed in individuals with MYL3-related conditions (PMID: 21896538), which suggests that this may be a clinically significant amino acid residue. Algorithms developed to predict the effect of missense changes on protein structure and function are either unavailable or do not agree on the potential impact of this missense change (SIFT: "Tolerated"; PolyPhen-2: "Possibly Damaging"; Align-GVGD: "Class C0"). This missense change has been observed in individual(s) with clinical features of MYL3-related conditions (Invitae).

Literature cited by the submitters: PubMed 21896538.

NM_000258.3(MYL3):c.383G>C (p.Gly128Ala)

Gene: MYL3 (myosin light chain 3; minus strand). Cytogenetic location: 3p21.31.
Variant type: single nucleotide variant.
Coding change: c.383G>C on transcript NM_000258.3 (MANE Select); coding-DNA position 383, G replaced by C.
Protein change: p.Gly128Ala; replaces glycine 128 with alanine.
Molecular consequence: missense variant.
Genome position (GRCh38, 1-based): chr3:46,859,573, C>G on the plus strand (G>C on the coding strand, the complement: MYL3 is on the minus strand). VCF-style: chr3-46859573-C-G. GRCh37 (hg19) VCF-style: chr3-46901063-C-G.
Other names: short protein forms G128A.
Identifiers: ClinVar variation 1521266 (VCV001521266.6), dbSNP rs869025485, ClinGen allele CA352496284.
Genomic context (GRCh38, chr3:46,859,573, plus strand): 5'-ACAGTGCCATTGCCCTCCTTGTCGAAGACCCGCAGCCCCTCCACGAAGTCCTCATAGGTG[C>G]CTGTGTCCTTGTTCTTGGAAATGTGCTGGAGCATAGGCAGGAAAGTTTCAAAGTCCATCA-3'
Protein context (NP_000249.1, residues 118-138): LQHISKNKDT[Gly128Ala]TYEDFVEGLR